The following is an entry in ClinVar:

NM_001145809.2(MYH14):c.5960+4T>C

Gene: MYH14 (myosin heavy chain 14; plus strand). Cytogenetic location: 19q13.33.
Variant type: single nucleotide variant.
Coding change: c.5960+4T>C on transcript NM_001145809.2 (MANE Select); 4 bases into the intron after coding-DNA position 5960, T replaced by C.
Molecular consequence: intron variant.
Genome position (GRCh38, 1-based): chr19:50,309,181, T>C. VCF-style: chr19-50309181-T-C. GRCh37 (hg19) VCF-style: chr19-50812438-T-C.
Other names: c.5861+4T>C (NM_001077186.2); c.5837+4T>C (NM_024729.4).
Identifiers: ClinVar variation 517265 (VCV000517265.7), dbSNP rs1555779636, ClinGen allele CA658799288.

ClinVar aggregate classification (germline): Uncertain significance. Review status: criteria provided, multiple submitters, no conflicts (2 of 4 stars). 2 submissions from 2 submitters: Uncertain significance (2). Last evaluated 2022-10-31.

Allele frequency attached by ClinVar (database versions not stated): gnomAD exomes below 0.00001.
gnomAD v4.1: 2 of 1,613,678 alleles (0.00012%); highest among the groups gnomAD compares: Non-Finnish European, 0.00017%; no homozygotes.

Submissions (2):

Labcorp Genetics (formerly Invitae), Labcorp
Classification: Uncertain significance. Last evaluated: 2022-10-31. Review status: criteria provided, single submitter. Criteria: Invitae Variant Classification Sherloc (09022015). Collection method: clinical testing. Allele origin: germline.
Comment: Variants that disrupt the consensus splice site are a relatively common cause of aberrant splicing (PMID: 17576681, 9536098). Algorithms developed to predict the effect of sequence changes on RNA splicing suggest that this variant is not likely to affect RNA splicing. In summary, the available evidence is currently insufficient to determine the role of this variant in disease. Therefore, it has been classified as a Variant of Uncertain Significance. ClinVar contains an entry for this variant (Variation ID: 517265). This variant has not been reported in the literature in individuals affected with MYH14-related conditions. This variant is not present in population databases (gnomAD no frequency). This sequence change falls in intron 40 of the MYH14 gene. It does not directly change the encoded amino acid sequence of the MYH14 protein. It affects a nucleotide within the consensus splice site.

Laboratory for Molecular Medicine, Mass General Brigham Personalized Medicine
Classification: Uncertain significance. Last evaluated: 2017-03-07. Review status: criteria provided, single submitter. Criteria: LMM Criteria. Collection method: clinical testing. Allele origin: germline. Observed: 3 variant alleles.
Comment: The c.5960+4T>C variant in MYH14 has not been previously reported in individuals with hearing loss and was absent from large population databases. This variant is located in the 5' splice region. Computational tools do not suggest an impact to splicing. However, this information is not predictive enough to rule out pat hogenicity. In summary, the clinical significance of the c.5960+4T>C variant is uncertain.

Literature cited by the submitters: PubMed 17576681 (cited by Labcorp Genetics (formerly Invitae), Labcorp); PubMed 9536098 (cited by Labcorp Genetics (formerly Invitae), Labcorp).